The following is an entry in ClinVar:

NM_033641.4(COL4A6):c.3269G>C (p.Gly1090Ala)

Gene: COL4A6 (collagen type IV alpha 6 chain; minus strand). Cytogenetic location: Xq22.3.
Variant type: single nucleotide variant.
Coding change: c.3269G>C on transcript NM_033641.4 (MANE Select); coding-DNA position 3269, G replaced by C.
Protein change: p.Gly1090Ala; replaces glycine 1090 with alanine.
Molecular consequence: missense variant.
Genome position (GRCh38, 1-based): chrX:108,171,395, C>G on the plus strand (G>C on the coding strand, the complement: COL4A6 is on the minus strand). VCF-style: chrX-108171395-C-G. GRCh37 (hg19) VCF-style: chrX-107414625-C-G.
Other names: c.3272G>C (NM_001847.3); c.3320G>C, p.Gly1107Ala (NM_001287758.2); c.3269G>C, p.Gly1090Ala (NM_001287759.2, NM_001287760.2); c.3272G>C, p.Gly1091Ala (NM_001847.4); short protein forms G1107A, G1090A, G1091A.
Identifiers: ClinVar variation 1978785 (VCV001978785.5), dbSNP rs769241359, ClinGen allele CA10487454.
Genomic context (GRCh38, chrX:108,171,395, plus strand): 5'-TCAGTTTTGTGGAGTCTGTGAGGCAAACAAGACAAAAATATAGCAACCTTACCTTTAAAA[C>G]CAGATTCGCCAGGCTGTCCCTTGGGTCCTGGGCTACCGGAAATTTCAACTGTCTGGCCGT-3'
Protein context (NP_378667.1, residues 1080-1100): PGPKGQPGES[Gly1090Ala]FKGTKGRDGL

ClinVar aggregate classification (germline): Likely benign. Review status: criteria provided, single submitter (1 of 4 stars). 2 submissions from 2 submitters: Likely benign (1). 1 of the submissions does not count toward it. Last evaluated 2025-12-17.

Conditions:
COL4A6-related disorder. Also called: COL4A6-related condition.

Allele frequency attached by ClinVar (database versions not stated): gnomAD 0.00001; TOPMed 0.00005; ExAC 0.00012.
gnomAD v4.1: 36 of 1,208,220 alleles (0.003%); highest among the groups gnomAD compares: Admixed American, 0.077%; no homozygotes.

Submissions (2):

Labcorp Genetics (formerly Invitae), Labcorp
Classification: Likely benign. Last evaluated: 2025-12-17. Review status: criteria provided, single submitter. Criteria: Invitae Variant Classification Sherloc (09022015). Collection method: clinical testing. Allele origin: germline.

PreventionGenetics, part of Exact Sciences
Classification: Likely benign for COL4A6-related condition. Last evaluated: 2024-08-26. Review status: no assertion criteria provided. Collection method: clinical testing. Allele origin: germline. Not counted in ClinVar's aggregate classification.
Comment: This variant is classified as likely benign based on ACMG/AMP sequence variant interpretation guidelines (Richards et al. 2015 PMID: 25741868, with internal and published modifications).